The following is an entry in ClinVar:

NM_003238.6(TGFB2):c.*1502T>C

Genes: TGFB2 (transforming growth factor beta 2; plus strand), TGFB2-OT1 (TGFB2 overlapping transcript 1; plus strand). Cytogenetic location: 1q41.
Variant type: single nucleotide variant.
Coding change: c.*1502T>C on transcript NM_003238.6 (MANE Select); 1502 bases downstream of the stop codon, T replaced by C.
Molecular consequence: 3 prime UTR variant. On other transcripts: non-coding transcript variant (3).
Genome position (GRCh38, 1-based): chr1:218,442,864, T>C. VCF-style: chr1-218442864-T-C. GRCh37 (hg19) VCF-style: chr1-218616206-T-C.
Other names: c.*1502T>C (NM_001135599.4).
Identifiers: ClinVar variation 295518 (VCV000295518.5), dbSNP rs17500758, ClinGen allele CA10609956.

ClinVar aggregate classification (germline): Likely benign (1 of 4 stars; one submission).

Conditions:
Loeys-Dietz syndrome 4 (LDS4). Also called: ANEURYSM, AORTIC AND CEREBRAL, WITH ARTERIAL TORTUOSITY AND SKELETAL MANIFESTATIONS; TGFB2-Related Loeys-Dietz Syndrome. Identifiers: MedGen C3553762, MONDO:0013897, OMIM 614816.

Allele frequency attached by ClinVar (database versions not stated): 1000 Genomes Project 30x 0.01280; 1000 Genomes Project 0.01298; TOPMed 0.02900; gnomAD 0.03058 and 0.03234.

Submission:

Illumina Laboratory Services, Illumina
Classification: Likely benign for Loeys-Dietz syndrome 4. Last evaluated: 2017-04-27. Review status: criteria provided, single submitter. Criteria: ICSL Variant Classification Criteria 13 December 2019. Collection method: clinical testing. Allele origin: germline.
Comment: This variant was observed as part of a predisposition screen in an ostensibly healthy population. A literature search was performed for the gene, cDNA change, and amino acid change (where applicable). No publications were found based on this search. Allele frequency data from public databases allowed determination this variant is unlikely to cause disease. Therefore, this variant is classified as likely benign.